The following is an entry in ClinVar:

ClinVar aggregate classification (germline): Pathogenic (1 of 4 stars; one submission).

Conditions:
Very long chain acyl-CoA dehydrogenase deficiency (ACADVLD). Also called: VLCAD Deficiency; Very Long-Chain Acyl-Coenzyme A Dehydrogenase Deficiency. Identifiers: Orphanet 26793, MedGen C3887523, MONDO:0008723, OMIM 201475.

Submission:

Labcorp Genetics (formerly Invitae), Labcorp
Classification: Pathogenic for Very long chain acyl-CoA dehydrogenase deficiency. Last evaluated: 2024-08-06. Review status: criteria provided, single submitter. Criteria: Invitae Variant Classification Sherloc (09022015). Collection method: clinical testing. Allele origin: germline.
Comment: This sequence change creates a premature translational stop signal (p.Leu102Ilefs*16) in the ACADVL gene. It is expected to result in an absent or disrupted protein product. Loss-of-function variants in ACADVL are known to be pathogenic (PMID: 9973285, 11590124). This variant is not present in population databases (gnomAD no frequency). This variant has not been reported in the literature in individuals affected with ACADVL-related conditions. For these reasons, this variant has been classified as Pathogenic.

Literature cited by the submitters: PubMed 9973285; PubMed 11590124.

NM_000018.4(ACADVL):c.303_304insAT (p.Leu102fs)

Gene: ACADVL (acyl-CoA dehydrogenase very long chain; plus strand). Cytogenetic location: 17p13.1.
Variant type: Insertion.
Coding change: c.303_304insAT on transcript NM_000018.4 (MANE Select); coding-DNA positions 303 to 304, AT inserted.
Protein change: p.Leu102fs; shifts the reading frame from leucine 102.
Molecular consequence: frameshift variant.
Genome position: GRCh38 VCF-style: chr17-7220790-T-TTA. GRCh37 (hg19) VCF-style: chr17-7124109-T-TTA.
Other names: c.237_238insAT, p.Leu80fs (NM_001033859.3); c.372_373insAT, p.Leu125fs (NM_001270447.2); c.75_76insAT, p.Leu26fs (NM_001270448.2); short protein forms L102fs, L26fs, L80fs, L125fs.
Identifiers: ClinVar variation 3661549 (VCV003661549.2).